The following is an entry in ClinVar:

ClinVar aggregate classification (germline): Conflicting classifications of pathogenicity. Review status: criteria provided, conflicting classifications (1 of 4 stars). 6 submissions from 6 submitters: Pathogenic (3); Likely pathogenic (2); Uncertain significance (1). Last evaluated 2025-07-21.

Conditions:
Intellectual developmental disorder, autosomal dominant 39. Also called: Intellectual disability, autosomal dominant 39; Mental retardation, autosomal dominant 39. Identifiers: MedGen C4225296, MONDO:0014678, OMIM 616521.
MYT1L-related developmental delay-intellectual disability-obesity syndrome. Identifiers: Orphanet 647799, MedGen C5816753, MONDO:0957477.
Syndromic complex neurodevelopmental disorder. Identifiers: MedGen CN372091, MONDO:0800439.
Inborn genetic diseases. Identifiers: MedGen C0950123, MeSH D030342.
MYT1L-related disorder. Also called: MYT1L-related condition.

Submissions (6):

Institute of Human Genetics, University of Leipzig Medical Center
Classification: Pathogenic for Intellectual developmental disorder, autosomal dominant 39. Last evaluated: 2025-07-21. Review status: criteria provided, single submitter. Criteria: ACMG Guidelines, 2015. Collection method: clinical testing. Allele origin: unknown. Inheritance: Autosomal dominant inheritance. Affected: yes.
Comment: Criteria applied: PS2,PS4_MOD,PM1,PM2,PM5,PP2,PP3

Blueprint Genetics
Classification: Pathogenic for MYT1L-related disorders. Last evaluated: 2022-12-21. Review status: criteria provided, single submitter. Criteria: ACMG Guidelines, 2015. Collection method: clinical testing. Allele origin: germline. Affected: yes. Observed: 1 variant allele.

GeneDx
Classification: Pathogenic. Last evaluated: 2022-05-26. Review status: criteria provided, single submitter. Criteria: GeneDx Variant Classification Process June 2021. Collection method: clinical testing. Allele origin: germline.
Comment: Not observed at significant frequency in large population cohorts (gnomAD); In silico analysis supports that this missense variant has a deleterious effect on protein structure/function; This variant is associated with the following publications: (PMID: 34490615, 32065501, 33004838, 37518898, 33622623)

MGZ Medical Genetics Center
Classification: Likely pathogenic for Intellectual developmental disorder, autosomal dominant 39. Last evaluated: 2022-04-11. Review status: criteria provided, single submitter. Criteria: ACMG Guidelines, 2015. Collection method: clinical testing. Allele origin: germline. Affected: yes. Observed: 1 variant allele.
Comment: ACMG criteria applied: PM1, PM5, PS2_SUP, PM2_SUP, PP2, PP3

Ambry Genetics
Classification: Uncertain significance for Inborn genetic diseases. Last evaluated: 2017-03-27. Review status: criteria provided, single submitter. Criteria: Ambry exome assertion method (8-5-2015). Collection method: clinical testing. Allele origin: germline. Affected: yes. Observed: 1 variant allele.

Molecular Genetics Lab, CHRU Brest
Classification: Likely pathogenic for Intellectual developmental disorder, autosomal dominant 39. Review status: criteria provided, single submitter. Criteria: ACMG Guidelines, 2015. Collection method: clinical testing. Allele origin: de novo. Affected: yes.

NM_001303052.2(MYT1L):c.1717G>A (p.Gly573Arg)

Gene: MYT1L (myelin transcription factor 1 like; minus strand). Cytogenetic location: 2p25.3.
Variant type: single nucleotide variant.
Coding change: c.1717G>A on transcript NM_001303052.2 (MANE Select); coding-DNA position 1717, G replaced by A.
Protein change: p.Gly573Arg; replaces glycine 573 with arginine.
Molecular consequence: missense variant.
Genome position (GRCh38, 1-based): chr2:1,910,340, C>T on the plus strand (G>A on the coding strand, the complement: MYT1L is on the minus strand). VCF-style: chr2-1910340-C-T. GRCh37 (hg19) VCF-style: chr2-1914112-C-T.
Other names: c.1717G>A, p.Gly573Arg (NM_001329844.2, NM_001329845.1, NM_001329851.3); c.1711G>A, p.Gly571Arg (NM_001329846.3, NM_001329847.2, NM_001329848.1 and 3 more transcripts); short protein forms G571R, G573R.
Identifiers: ClinVar variation 521634 (VCV000521634.13), dbSNP rs1330054460, ClinGen allele CA345700852.